The following is an entry in ClinVar:

ClinVar aggregate classification (germline): Uncertain significance (1 of 4 stars; one submission).

Conditions:
Surfactant metabolism dysfunction, pulmonary, 4 (SMDP4). Also called: PAP DUE TO CSF2RA DEFICIENCY; PULMONARY ALVEOLAR PROTEINOSIS, CONGENITAL, 4; CSF2RA DEFICIENCY. Identifiers: Orphanet 264675, MedGen C2677877, MONDO:0010424, OMIM 300770.

Allele frequency attached by ClinVar (database versions not stated): gnomAD 0.00009 and 0.00010; TOPMed 0.00009; gnomAD exomes 0.00013 and 0.00021; ExAC 0.00015; ESP Exome Variant Server 0.00023.
gnomAD v4.1: 320 of 1,613,888 alleles (0.02%); highest among the groups gnomAD compares: Non-Finnish European, 0.026%; no homozygotes.

Submission:

Labcorp Genetics (formerly Invitae), Labcorp
Classification: Uncertain significance for Surfactant metabolism dysfunction, pulmonary, 4. Last evaluated: 2022-10-24. Review status: criteria provided, single submitter. Criteria: Invitae Variant Classification Sherloc (09022015). Collection method: clinical testing. Allele origin: germline.
Comment: This sequence change replaces valine, which is neutral and non-polar, with methionine, which is neutral and non-polar, at codon 396 of the CSF2RA protein (p.Val396Met). This variant is present in population databases (no rsID available, gnomAD 0.02%). This variant has not been reported in the literature in individuals affected with CSF2RA-related conditions. ClinVar contains an entry for this variant (Variation ID: 1446389). Algorithms developed to predict the effect of missense changes on protein structure and function are either unavailable or do not agree on the potential impact of this missense change (SIFT: "Deleterious"; PolyPhen-2: "Not Available"; Align-GVGD: "Class C0"). In summary, the available evidence is currently insufficient to determine the role of this variant in disease. Therefore, it has been classified as a Variant of Uncertain Significance.

NM_172245.4(CSF2RA):c.1186G>A (p.Val396Met)

Gene: CSF2RA (colony stimulating factor 2 receptor subunit alpha; plus strand). Cytogenetic location: Xp22.33.
Variant type: single nucleotide variant.
Coding change: c.1186G>A on transcript NM_172245.4 (MANE Select); coding-DNA position 1186, G replaced by A.
Protein change: p.Val396Met; replaces valine 396 with methionine.
Molecular consequence: missense variant. On other transcripts: 3 prime UTR variant (5), non-coding transcript variant (1), intron variant (6).
Genome position (GRCh38, 1-based): chrX:1,309,462, G>A. VCF-style: chrX-1309462-G-A. GRCh37 (hg19) VCF-style: chrX-1428355-G-A.
Other names: c.1186G>A, p.Val396Met (NM_001161529.2, NM_001379156.1, NM_001379158.1 and 1 more transcripts); c.1288G>A, p.Val430Met (NM_001161530.2, NM_001379153.1, NM_001379154.1); c.787G>A, p.Val263Met (NM_001161532.2); c.1156G>A, p.Val386Met (NM_001379160.1); c.997G>A, p.Val333Met (NM_001379166.1); c.*87G>A (NM_001379167.1, NM_001379168.1, NM_001379169.1 and 2 more transcripts); c.1007G>A, p.Arg336His (NM_172246.4); c.1125+3935G>A (NM_001379163.1, NM_001379162.1, NM_001379164.1 and 2 more transcripts); and 1 more; short protein forms V333M, R336H, V386M, V430M, V263M, V396M.
Identifiers: ClinVar variation 1446389 (VCV001446389.5), dbSNP rs139686363, ClinGen allele CA10331285.